The following is an entry in ClinVar:

NM_006265.3(RAD21):c.1579_1581del (p.Lys527del)

Gene: RAD21 (RAD21 cohesin complex component; minus strand). Cytogenetic location: 8q24.11.
Variant type: Deletion.
Coding change: c.1579_1581del on transcript NM_006265.3 (MANE Select); coding-DNA positions 1579 to 1581, 3 bases deleted (AAG; older notation c.1579_1581delAAG).
Protein change: p.Lys527del; deletes lysine 527.
Molecular consequence: inframe deletion.
Genome position (GRCh38, 1-based): chr8:116,850,657-116,850,659, CTT deleted on the plus strand (AAG on the coding strand, the reverse complement: RAD21 is on the minus strand); deleting any 3 consecutive bases within chr8:116,850,657-116,850,661 gives the same sequence; the c. name uses the placement nearest the transcript's 3' end. VCF-style (leftmost placement, unchanged base first): chr8-116850656-CCTT-C. GRCh37 (hg19) VCF-style: chr8-117862895-CCTT-C.
Other names: short protein forms K527del.
Identifiers: ClinVar variation 2978373 (VCV002978373.3), dbSNP rs1365277271, ClinGen allele CA462499155.

ClinVar aggregate classification (germline): Uncertain significance (1 of 4 stars; one submission).

Conditions:
Cornelia de Lange syndrome 4 (CDLS4). Also called: CORNELIA DE LANGE SYNDROME 4 WITH OR WITHOUT MIDLINE BRAIN DEFECTS; RAD21-Related Cornelia de Lange Syndrome. Identifiers: Orphanet 199, MedGen C3553517, MONDO:0013864, OMIM 614701.

Submission:

Labcorp Genetics (formerly Invitae), Labcorp
Classification: Uncertain significance for Cornelia de Lange syndrome 4. Last evaluated: 2023-04-27. Review status: criteria provided, single submitter. Criteria: Invitae Variant Classification Sherloc (09022015). Collection method: clinical testing. Allele origin: germline.
Comment: Experimental studies and prediction algorithms are not available or were not evaluated, and the functional significance of this variant is currently unknown. This variant has not been reported in the literature in individuals affected with RAD21-related conditions. This variant is not present in population databases (gnomAD no frequency). This variant, c.1579_1581del, results in the deletion of 1 amino acid(s) of the RAD21 protein (p.Lys527del), but otherwise preserves the integrity of the reading frame. In summary, the available evidence is currently insufficient to determine the role of this variant in disease. Therefore, it has been classified as a Variant of Uncertain Significance.